The following is an entry in ClinVar:

NM_001556.3(IKBKB):c.1130A>G (p.Asn377Ser)

Gene: IKBKB (inhibitor of nuclear factor kappa B kinase subunit beta; plus strand). Cytogenetic location: 8p11.21.
Variant type: single nucleotide variant.
Coding change: c.1130A>G on transcript NM_001556.3 (MANE Select); coding-DNA position 1130, A replaced by G.
Protein change: p.Asn377Ser; replaces asparagine 377 with serine.
Molecular consequence: missense variant. On other transcripts: non-coding transcript variant (2).
Genome position (GRCh38, 1-based): chr8:42,317,661, A>G. VCF-style: chr8-42317661-A-G. GRCh37 (hg19) VCF-style: chr8-42175179-A-G.
Other names: c.938A>G, p.Asn313Ser (NM_001190720.3); c.953A>G, p.Asn318Ser (NM_001242778.2); short protein forms N377S, N318S, N313S.
Identifiers: ClinVar variation 2169950 (VCV002169950.6), dbSNP rs910670966, ClinGen allele CA175969708.

ClinVar aggregate classification (germline): Uncertain significance. Review status: criteria provided, multiple submitters, no conflicts (2 of 4 stars). 2 submissions from 2 submitters: Uncertain significance (2). Last evaluated 2025-06-19.

Conditions:
Immunodeficiency 15a. Identifiers: Orphanet 700205, MedGen C4748694, MONDO:0032599, OMIM 618204.
Severe combined immunodeficiency due to IKK2 deficiency. Also called: Immunodeficiency 15; IMMUNODEFICIENCY 15B. Identifiers: Orphanet 397787, MedGen C4747743, MONDO:0014267, OMIM 615592.

Submissions (2):

Dasa
Classification: Uncertain significance for Immunodeficiency 15a. Last evaluated: 2025-06-19. Review status: criteria provided, single submitter. Criteria: DASA Assertion Criteria. Collection method: clinical testing. Allele origin: germline.
Comment: NM_001556.3(IKBKB):c.1130A>G (p.Asn377Ser) is a missense variant that results in the substitution of asparagine with serine. This variant is absent from population databases. Computational prediction algorithms are consistent with a benign effect. The currently available literature and clinical evidence are not sufficient to establish a definitive association between this variant and the reported condition. Therefore, this variant is classified as a variant of uncertain significance.

Labcorp Genetics (formerly Invitae), Labcorp
Classification: Uncertain significance for Severe combined immunodeficiency due to IKK2 deficiency. Last evaluated: 2021-12-30. Review status: criteria provided, single submitter. Criteria: Invitae Variant Classification Sherloc (09022015). Collection method: clinical testing. Allele origin: germline.
Comment: In summary, the available evidence is currently insufficient to determine the role of this variant in disease. Therefore, it has been classified as a Variant of Uncertain Significance. Algorithms developed to predict the effect of sequence changes on RNA splicing suggest that this variant may create or strengthen a splice site. Advanced modeling of protein sequence and biophysical properties (such as structural, functional, and spatial information, amino acid conservation, physicochemical variation, residue mobility, and thermodynamic stability) performed at Invitae indicates that this missense variant is not expected to disrupt IKBKB protein function. This variant has not been reported in the literature in individuals affected with IKBKB-related conditions. This variant is not present in population databases (gnomAD no frequency). This sequence change replaces asparagine, which is neutral and polar, with serine, which is neutral and polar, at codon 377 of the IKBKB protein (p.Asn377Ser).